The following is an entry in ClinVar:

NM_000443.4(ABCB4):c.2395-1G>A

Gene: ABCB4 (ATP binding cassette subfamily B member 4; minus strand). Cytogenetic location: 7q21.12.
Variant type: single nucleotide variant.
Coding change: c.2395-1G>A on transcript NM_000443.4 (MANE Select); the canonical splice acceptor site of the intron before coding-DNA position 2395, G replaced by A.
Molecular consequence: splice acceptor variant.
Genome position (GRCh38, 1-based): chr7:87,418,621, C>T on the plus strand (G>A on the coding strand, the complement: ABCB4 is on the minus strand). VCF-style: chr7-87418621-C-T. GRCh37 (hg19) VCF-style: chr7-87047937-C-T.
Other names: c.2395-1G>A (NM_018850.3, NM_018849.3).
Identifiers: ClinVar variation 3031884 (VCV003031884.2), dbSNP rs2546776163, ClinGen allele CA368062042.

ClinVar aggregate classification (germline): Likely pathogenic (0 of 4 stars; one submission).

Conditions:
ABCB4-related disorder. Also called: ABCB4-related disorders; ABCB4-related condition.

Submission:

PreventionGenetics, part of Exact Sciences
Classification: Likely pathogenic for ABCB4-related condition. Last evaluated: 2024-01-03. Review status: no assertion criteria provided. Collection method: clinical testing. Allele origin: germline.
Comment: The ABCB4 c.2395-1G>A variant is predicted to disrupt the AG splice acceptor site and interfere with normal splicing. To our knowledge, this variant has not been reported in the literature or in a large population database, indicating this variant is rare. Variants that disrupt the consensus splice acceptor site in ABCB4 are expected to be pathogenic. This variant is interpreted as likely pathogenic.